The following is an entry in ClinVar:

NM_000185.4(SERPIND1):c.245T>C (p.Leu82Pro)

Genes: PI4KA (phosphatidylinositol 4-kinase alpha; minus strand), SERPIND1 (serpin family D member 1; plus strand). Cytogenetic location: 22q11.21.
Variant type: single nucleotide variant.
Coding change: c.245T>C on transcript NM_000185.4 (MANE Select); coding-DNA position 245, T replaced by C.
Protein change: p.Leu82Pro; replaces leucine 82 with proline.
Molecular consequence: missense variant. On other transcripts: intron variant (3).
Genome position (GRCh38, 1-based): chr22:20,779,557, T>C. VCF-style: chr22-20779557-T-C. GRCh37 (hg19) VCF-style: chr22-21133845-T-C.
Other names: p.Leu82Pro; c.2262+13636A>G (NM_001362863.2); c.2328+13636A>G (NM_001362862.2, NM_058004.4); short protein forms L82P.
Identifiers: ClinVar variation 3380697 (VCV003380697.1).

ClinVar aggregate classification (germline): Uncertain significance (1 of 4 stars; one submission).

gnomAD v4.1: 23 of 1,614,064 alleles (0.0014%); highest among the groups gnomAD compares: African/African-American, 0.029%; no homozygotes.

Submission:

Mayo Clinic Laboratories, Mayo Clinic
Classification: Uncertain significance. Last evaluated: 2024-01-16. Review status: criteria provided, single submitter. Criteria: ACMG Guidelines, 2015. Collection method: clinical testing. Allele origin: germline. Observed: 1 variant allele.
Comment: PM1_supporting